The following is an entry in ClinVar:

NM_014915.3(ANKRD26):c.1888A>C (p.Asn630His)

Gene: ANKRD26 (ankyrin repeat domain containing 26; minus strand). Cytogenetic location: 10p12.1.
Variant type: single nucleotide variant.
Coding change: c.1888A>C on transcript NM_014915.3 (MANE Select); coding-DNA position 1888, A replaced by C.
Protein change: p.Asn630His; replaces asparagine 630 with histidine.
Molecular consequence: missense variant.
Genome position (GRCh38, 1-based): chr10:27,046,450, T>G on the plus strand (A>C on the coding strand, the complement: ANKRD26 is on the minus strand). VCF-style: chr10-27046450-T-G. GRCh37 (hg19) VCF-style: chr10-27335379-T-G.
Other names: c.1885A>C, p.Asn629His (NM_001256053.2); short protein forms N630H, N629H.
Identifiers: ClinVar variation 4104200 (VCV004104200.1).

ClinVar aggregate classification (germline): Uncertain significance (1 of 4 stars; one submission).

Conditions:
Inborn genetic diseases. Identifiers: MedGen C0950123, MeSH D030342.

Submission:

Ambry Genetics
Classification: Uncertain significance for Inborn genetic diseases. Last evaluated: 2025-08-14. Review status: criteria provided, single submitter. Criteria: Ambry Variant Classification Scheme 2023. Collection method: clinical testing. Allele origin: germline.
Comment: The p.N630H variant (also known as c.1888A>C), located in coding exon 18 of the ANKRD26 gene, results from an A to C substitution at nucleotide position 1888. The asparagine at codon 630 is replaced by histidine, an amino acid with similar properties. This amino acid position is conserved. In addition, this alteration is predicted to be tolerated by in silico analysis. Based on the available evidence, the clinical significance of this variant remains unclear.